The following is an entry in ClinVar:

ClinVar aggregate classification (germline): Uncertain significance (1 of 4 stars; one submission).

Conditions:
Dyskeratosis congenita, autosomal recessive 5 (DKCB5). Identifiers: MedGen C3554656, MONDO:0014076, OMIM 615190.
Pulmonary fibrosis and/or bone marrow failure, Telomere-related, 3. Also called: PULMONARY FIBROSIS AND/OR BONE MARROW FAILURE SYNDROME, TELOMERE-RELATED, 3. Identifiers: Orphanet 2032, MedGen C4225346, MONDO:0014613, OMIM 616373.

Submission:

Labcorp Genetics (formerly Invitae), Labcorp
Classification: Uncertain significance for Dyskeratosis congenita, autosomal recessive 5; Pulmonary fibrosis and/or bone marrow failure, Telomere-related, 3. Last evaluated: 2021-08-17. Review status: criteria provided, single submitter. Criteria: Invitae Variant Classification Sherloc (09022015). Collection method: clinical testing. Allele origin: germline.
Comment: This variant, c.3523_3531dup, results in the insertion of 3 amino acid(s) to the RTEL1 protein (p.Gly1175_Thr1177dup), but otherwise preserves the integrity of the reading frame. This variant is not present in population databases (ExAC no frequency). This variant has not been reported in the literature in individuals affected with RTEL1-related conditions. Experimental studies and prediction algorithms are not available or were not evaluated, and the functional significance of this variant is currently unknown. In summary, the available evidence is currently insufficient to determine the role of this variant in disease. Therefore, it has been classified as a Variant of Uncertain Significance.

NM_001283009.2(RTEL1):c.3523_3531dup (p.Gly1175_Thr1177dup)

Genes: RTEL1 (regulator of telomere elongation helicase 1; plus strand), RTEL1-TNFRSF6B (RTEL1-TNFRSF6B readthrough (NMD candidate); plus strand). Cytogenetic location: 20q13.33.
Variant type: Duplication.
Coding change: c.3523_3531dup on transcript NM_001283009.2 (MANE Select); coding-DNA positions 3523 to 3531, 9 bases duplicated (GGGAAGACC; older notation c.3523_3531dupGGGAAGACC).
Protein change: p.Gly1175_Thr1177dup.
Molecular consequence: inframe insertion. On other transcripts: non-coding transcript variant (1).
Genome position (GRCh38, 1-based): chr20:63,695,351-63,695,359, GGGAAGACC duplicated; duplicating any 9 consecutive bases within chr20:63,695,344-63,695,359 gives the same sequence; the c. name uses the placement nearest the transcript's 3' end. VCF-style (leftmost placement, unchanged base first): chr20-63695343-A-AGAAGACCGG. GRCh37 (hg19) VCF-style: chr20-62326696-A-AGAAGACCGG.
Other names: c.2854_2862dup, p.Gly952_Thr954dup (NM_001283010.1); c.3523_3531dup, p.Gly1175_Thr1177dup (NM_016434.4); c.3595_3603dup, p.Gly1199_Thr1201dup (NM_032957.5).
Identifiers: ClinVar variation 1368572 (VCV001368572.3), dbSNP rs2090951149, ClinGen allele CA2573157228.
Genomic context (GRCh38, chr20:63,695,343, plus strand): 5'-CAGCAAAGCCCCAGGCCCCCCTCAGACTCAAGTCTCTGTCTCCAGGCCCCTCACGGTCCG[A>AGAAGACCGG]GAAGACCGGGAAGACCCAGAGCAAGATCTCGTCCTTCCTTAGACAGAGGCCAGCAGGGAC-3'